The following is an entry in ClinVar:

NM_000455.5(STK11):c.815dup (p.Tyr272Ter)

Gene: STK11 (serine/threonine kinase 11; plus strand). Cytogenetic location: 19p13.3.
Variant type: Duplication.
Coding change: c.815dup on transcript NM_000455.5 (MANE Select); coding-DNA position 815, one base duplicated (A; older notation c.815dupA).
Protein change: p.Tyr272Ter; replaces tyrosine 272 with a stop codon.
Molecular consequence: nonsense. On other transcripts: non-coding transcript variant (1).
Genome position (GRCh38, 1-based): chr19:1,221,293, A duplicated. VCF-style (leftmost placement, unchanged base first): chr19-1221292-T-TA. GRCh37 (hg19) VCF-style: chr19-1221291-T-TA.
Other names: c.815dup, p.Tyr272Ter (NM_001407255.1); short protein forms Y272*.
Identifiers: ClinVar variation 2736756 (VCV002736756.3), dbSNP rs2512945253, ClinGen allele CA2695227883.
Genomic context (GRCh38, chr19:1,221,292, plus strand): 5'-CTGTACCCCTTCGAAGGGGACAACATCTACAAGTTGTTTGAGAACATCGGGAAGGGGAGC[T>TA]ACGCCATCCCGGGCGACTGTGGCCCCCCGCTCTCTGACCTGCTGAAAGGTGGGAGCCTCA-3'

ClinVar aggregate classification (germline): Pathogenic (1 of 4 stars; one submission).

Conditions:
Peutz-Jeghers syndrome (PJS). Also called: Peutz-Jeghers polyposis; Periorificial lentiginosis syndrome; POLYPOSIS, HAMARTOMATOUS INTESTINAL; POLYPS-AND-SPOTS SYNDROME. Identifiers: Orphanet 2869, MedGen C0031269, MeSH D010580, MONDO:0008280, OMIM 175200.

Submission:

Labcorp Genetics (formerly Invitae), Labcorp
Classification: Pathogenic for Peutz-Jeghers syndrome. Last evaluated: 2023-04-19. Review status: criteria provided, single submitter. Criteria: Invitae Variant Classification Sherloc (09022015). Collection method: clinical testing. Allele origin: germline.
Comment: This sequence change creates a premature translational stop signal (p.Tyr272*) in the STK11 gene. It is expected to result in an absent or disrupted protein product. Loss-of-function variants in STK11 are known to be pathogenic (PMID: 15188174, 16287113). For these reasons, this variant has been classified as Pathogenic. This premature translational stop signal has been observed in individual(s) with Peutz–Jeghers syndrome (PMID: 12865922). This variant is not present in population databases (gnomAD no frequency).

Literature cited by the submitters: PubMed 15188174; PubMed 16287113; PubMed 12865922.